The following is an entry in ClinVar:

NC_000012.12:g.121626857C>A

Genes: ORAI1 (ORAI calcium release-activated calcium modulator 1; plus strand), LOC130008987 (ATAC-STARR-seq lymphoblastoid silent region 4981; plus strand). Cytogenetic location: 12q24.31.
Variant type: single nucleotide variant.
Molecular consequence: non-coding transcript variant (on NR_186857.1).
Genome position: GRCh38 VCF-style: chr12-121626857-C-A. GRCh37 (hg19) VCF-style: chr12-122064762-C-A.
Identifiers: ClinVar variation 3757218 (VCV003757218.2).

ClinVar aggregate classification (germline): Uncertain significance (1 of 4 stars; one submission).

Conditions:
Combined immunodeficiency due to ORAI1 deficiency. Also called: IMMUNODEFICIENCY 9. Identifiers: Orphanet 169090, Orphanet 317428, MedGen C2748568, MONDO:0013007, OMIM 612782.
Myopathy, tubular aggregate, 2 (TAM2). Identifiers: MedGen C4014557, MONDO:0014383, OMIM 615883.

Submission:

Labcorp Genetics (formerly Invitae), Labcorp
Classification: Uncertain significance for Myopathy, tubular aggregate, 2; Combined immunodeficiency due to ORAI1 deficiency. Last evaluated: 2024-07-11. Review status: criteria provided, single submitter. Criteria: Invitae Variant Classification Sherloc (09022015). Collection method: clinical testing. Allele origin: germline.
Comment: This sequence change replaces proline, which is neutral and non-polar, with threonine, which is neutral and polar, at codon 39 of the ORAI1 protein (p.Pro39Thr). This variant is not present in population databases (gnomAD no frequency). This variant has not been reported in the literature in individuals affected with ORAI1-related conditions. Experimental studies and prediction algorithms are not available or were not evaluated, and the functional significance of this variant is currently unknown. In summary, the available evidence is currently insufficient to determine the role of this variant in disease. Therefore, it has been classified as a Variant of Uncertain Significance.